The following is an entry in ClinVar:

NM_006005.3(WFS1):c.1106A>C (p.Lys369Thr)

Gene: WFS1 (wolframin ER transmembrane glycoprotein; plus strand). Cytogenetic location: 4p16.1.
Variant type: single nucleotide variant.
Coding change: c.1106A>C on transcript NM_006005.3 (MANE Select); coding-DNA position 1106, A replaced by C.
Protein change: p.Lys369Thr; replaces lysine 369 with threonine.
Molecular consequence: missense variant.
Genome position (GRCh38, 1-based): chr4:6,300,901, A>C. VCF-style: chr4-6300901-A-C. GRCh37 (hg19) VCF-style: chr4-6302628-A-C.
Other names: p.K369T:AAG>ACG; c.1106A>C, p.Lys369Thr (NM_001145853.1); short protein forms K369T.
Identifiers: ClinVar variation 215377 (VCV000215377.10), dbSNP rs766169444, ClinGen allele CA322697.
Genomic context (GRCh38, chr4:6,300,901, plus strand): 5'-TCTTCTACCTGTCCTTCATCTCCATGGTGATCTGCACCCTCAAGGTGTTCCAGGACAGCA[A>C]GGCCTGGGAGAACTTCCGCACCCTCACCGACCTGCTGCTGCGCTTCGAGCCCAACCTGGA-3'
Protein context (NP_005996.2, residues 359-379): ICTLKVFQDS[Lys369Thr]AWENFRTLTD

ClinVar aggregate classification (germline): Uncertain significance/Uncertain risk allele. Review status: criteria provided, multiple submitters, no conflicts (2 of 4 stars). 4 submissions from 4 submitters: Uncertain significance (3); Uncertain risk allele (1). Last evaluated 2025-07-15.

Conditions:
Inborn genetic diseases. Identifiers: MedGen C0950123, MeSH D030342.
Wolfram syndrome 1 (WFS1). Identifiers: Orphanet 3463, MedGen C4551693, MONDO:0009101, OMIM 222300.

Allele frequency attached by ClinVar (database versions not stated): ExAC 0.00001; gnomAD exomes 0.00001.
gnomAD v4.1: 4 of 1,614,096 alleles (0.00025%); highest among the groups gnomAD compares: Admixed American, 0.0067%; no homozygotes.

Submissions (4):

GeneDx
Classification: Uncertain significance. Last evaluated: 2025-07-15. Review status: criteria provided, single submitter. Criteria: GeneDx Variant Classification Process June 2021. Collection method: clinical testing. Allele origin: germline. Affected: yes.
Comment: In silico analysis supports that this missense variant has a deleterious effect on protein structure/function; Has not been previously published as pathogenic or benign to our knowledge

Labcorp Genetics (formerly Invitae), Labcorp
Classification: Uncertain significance. Last evaluated: 2025-06-06. Review status: criteria provided, single submitter. Criteria: Invitae Variant Classification Sherloc (09022015). Collection method: clinical testing. Allele origin: germline.
Comment: This sequence change replaces lysine, which is basic and polar, with threonine, which is neutral and polar, at codon 369 of the WFS1 protein (p.Lys369Thr). This variant is present in population databases (rs766169444, gnomAD 0.009%). This variant has not been reported in the literature in individuals affected with WFS1-related conditions. ClinVar contains an entry for this variant (Variation ID: 215377). Invitae Evidence Modeling of protein sequence and biophysical properties (such as structural, functional, and spatial information, amino acid conservation, physicochemical variation, residue mobility, and thermodynamic stability) has been performed for this missense variant. However, the output from this modeling did not meet the statistical confidence thresholds required to predict the impact of this variant on WFS1 protein function. In summary, the available evidence is currently insufficient to determine the role of this variant in disease. Therefore, it has been classified as a Variant of Uncertain Significance.

Ambry Genetics
Classification: Uncertain significance for Inborn genetic diseases. Last evaluated: 2025-05-14. Review status: criteria provided, single submitter. Criteria: Ambry Variant Classification Scheme 2023. Collection method: clinical testing. Allele origin: germline.

Clinical Genomics, Uppaluri K&H Personalized Medicine Clinic
Classification: Uncertain risk allele for Wolfram syndrome 1. Review status: criteria provided, single submitter. Criteria: K & H Uppaluri Personalized Medicine Clinic Variant Classification & Assertion Criteria_Updated V.1. Collection method: research. Allele origin: unknown. Inheritance: Autosomal recessive inheritance.
Comment: Potent mutations in WFS1 gene are associated with Wolfram's syndrome, an autosomal recessive condition, which cause diabetes mellitus, diabetes insipidus, deafness and optic atrophy.However no sufficient evidence is found to ascertain the role of this particular variant rs766169444 in Wolfram's syndrome yet.

Literature cited by the submitters: PubMed 20738327 (cited by Clinical Genomics, Uppaluri K&H Personalized Medicine Clinic); PubMed 33879153 (cited by Clinical Genomics, Uppaluri K&H Personalized Medicine Clinic); PubMed 12955714 (cited by Clinical Genomics, Uppaluri K&H Personalized Medicine Clinic); PubMed 18060660 (cited by Clinical Genomics, Uppaluri K&H Personalized Medicine Clinic); PubMed 20301750 (cited by Clinical Genomics, Uppaluri K&H Personalized Medicine Clinic); PubMed 17603484 (cited by Clinical Genomics, Uppaluri K&H Personalized Medicine Clinic).